The following is an entry in ClinVar:

ClinVar aggregate classification (germline): Uncertain significance (1 of 4 stars; one submission).

Conditions:
Niemann-Pick disease, type C1. Also called: NIEMANN-PICK DISEASE, VARIANT TYPE C1; NEUROVISCERAL STORAGE DISEASE WITH VERTICAL SUPRANUCLEAR OPHTHALMOPLEGIA; NIEMANN-PICK DISEASE WITH CHOLESTEROL ESTERIFICATION BLOCK; NIEMANN-PICK DISEASE WITHOUT SPHINGOMYELINASE DEFICIENCY; NIEMANN-PICK DISEASE, CHRONIC NEURONOPATHIC FORM. Identifiers: Orphanet 646, MedGen C3179455, MONDO:0009757, OMIM 257220.

Allele frequency attached by ClinVar (database versions not stated): ExAC 0.00001; TOPMed 0.00002; gnomAD 0.00003; gnomAD exomes 0.00006.
gnomAD v4.1: 86 of 1,614,040 alleles (0.0053%); highest among the groups gnomAD compares: Non-Finnish European, 0.0071%; no homozygotes.

Submission:

Labcorp Genetics (formerly Invitae), Labcorp
Classification: Uncertain significance for Niemann-Pick disease, type C1. Last evaluated: 2022-07-01. Review status: criteria provided, single submitter. Criteria: Invitae Variant Classification Sherloc (09022015). Collection method: clinical testing. Allele origin: germline.
Comment: This sequence change replaces serine, which is neutral and polar, with leucine, which is neutral and non-polar, at codon 365 of the NPC1 protein (p.Ser365Leu). This variant is present in population databases (rs200243024, gnomAD 0.005%). This variant has not been reported in the literature in individuals affected with NPC1-related conditions. Algorithms developed to predict the effect of missense changes on protein structure and function (SIFT, PolyPhen-2, Align-GVGD) all suggest that this variant is likely to be tolerated. In summary, the available evidence is currently insufficient to determine the role of this variant in disease. Therefore, it has been classified as a Variant of Uncertain Significance.

NM_000271.5(NPC1):c.1094C>T (p.Ser365Leu)

Gene: NPC1 (NPC intracellular cholesterol transporter 1; minus strand). Cytogenetic location: 18q11.2.
Variant type: single nucleotide variant.
Coding change: c.1094C>T on transcript NM_000271.5 (MANE Select); coding-DNA position 1094, C replaced by T.
Protein change: p.Ser365Leu; replaces serine 365 with leucine.
Molecular consequence: missense variant.
Genome position (GRCh38, 1-based): chr18:23,556,475, G>A on the plus strand (C>T on the coding strand, the complement: NPC1 is on the minus strand). VCF-style: chr18-23556475-G-A. GRCh37 (hg19) VCF-style: chr18-21136439-G-A.
Other names: short protein forms S365L.
Identifiers: ClinVar variation 2110137 (VCV002110137.1), dbSNP rs200243024, ClinGen allele CA8913536.